The following is an entry in ClinVar:

ClinVar aggregate classification (germline): Likely pathogenic (1 of 4 stars; one submission).

Conditions:
Junctional epidermolysis bullosa gravis of Herlitz. Also called: EPIDERMOLYSIS BULLOSA JUNCTIONALIS, HERLITZ TYPE; EPIDERMOLYSIS BULLOSA, JUNCTIONAL, HERLITZ-PEARSON TYPE; JEB-HERLITZ TYPE; EPIDERMOLYSIS BULLOSA, JUNCTIONAL 1B, SEVERE; Epidermolysis Bullosa Letalis; Herlitz-type junctional epidermolysis bullosa. Identifiers: Orphanet 79404, MedGen C0079683, MONDO:0009182, OMIM 226700.

Submission:

Myriad Genetics, Inc.
Classification: Likely pathogenic for Junctional epidermolysis bullosa gravis of Herlitz. Last evaluated: 2022-01-23. Review status: criteria provided, single submitter. Criteria: Myriad Women's Health Autosomal Recessive and X-Linked Classification Criteria (2021). Collection method: clinical testing. Allele origin: unknown.
Comment: NM_005562.2(LAMC2):c.1796delG(G599Afs*18) is expected to be pathogenic in the context of junctional epidermolysis bullosa, LAMC2-related. This variant is predicted to lead to an abnormal or absent protein product due to the creation of a premature termination codon in LAMC2, a gene where loss-of-function variants are known to be pathogenic. Please note: this variant was assessed in the context of healthy population screening.

NM_005562.3(LAMC2):c.1796del (p.Gly599fs)

Gene: LAMC2 (laminin subunit gamma 2; plus strand). Cytogenetic location: 1q25.3.
Variant type: Deletion.
Coding change: c.1796del on transcript NM_005562.3 (MANE Select); coding-DNA position 1796, one base deleted (G; older notation c.1796delG).
Protein change: p.Gly599fs; shifts the reading frame from glycine 599.
Molecular consequence: frameshift variant.
Genome position (GRCh38, 1-based): chr1:183,231,042, G deleted; the last of 2 consecutive G bases (chr1:183,231,041-183,231,042); deleting either gives the same sequence. VCF-style (leftmost placement, unchanged base first): chr1-183231040-TG-T. GRCh37 (hg19) VCF-style: chr1-183200175-TG-T.
Other names: c.1796del, p.Gly599fs (NM_018891.3); short protein forms G599fs.
Identifiers: ClinVar variation 1724023 (VCV001724023.2), dbSNP rs2526082649, ClinGen allele CA2580061721.
Genomic context (GRCh38, chr1:183,231,040, plus strand): 5'-GGGCTCAGAGCCTGTAGGATGTCGAAGTGATGGCACCTGTGTTTGCAAGCCAGGATTTGG[TG>T]GCCCCAACTGTGAGCATGGAGCATTCAGCTGTCCAGCTTGCTATAATCAAGTGAAGATTC-3'